The following is an entry in ClinVar:

ClinVar aggregate classification (germline): Uncertain significance (1 of 4 stars; one submission).

Submission:

GeneDx
Classification: Uncertain significance. Last evaluated: 2026-05-25. Review status: criteria provided, single submitter. Criteria: GeneDx Variant Classification Process June 2021. Collection method: clinical testing. Allele origin: germline.
Comment: Not observed at significant frequency in large population cohorts (gnomAD); In silico analysis supports a deleterious effect on splicing; Has not been previously published as pathogenic or benign to our knowledge

NM_207037.2(TCF12):c.1189-6T>A

Gene: TCF12 (transcription factor 12; plus strand). Cytogenetic location: 15q21.3.
Variant type: single nucleotide variant.
Coding change: c.1189-6T>A on transcript NM_207037.2 (MANE Select); 6 bases into the intron before coding-DNA position 1189, T replaced by A.
Molecular consequence: intron variant.
Genome position (GRCh38, 1-based): chr15:57,252,415, T>A. VCF-style: chr15-57252415-T-A. GRCh37 (hg19) VCF-style: chr15-57544613-T-A.
Other names: c.1189-6T>A (NM_001322151.2, NM_001322159.3, NM_001322152.2 and 3 more transcripts); c.1189-847T>A (NM_001322157.3, NM_003205.4, NM_207038.2 and 1 more transcripts); c.1015-6T>A (NM_001322156.2); c.1015-847T>A (NM_001322158.2); c.532-6T>A (NM_001322154.2); c.1225-847T>A (NM_001322164.2); c.679-6T>A (NM_001306219.3); c.679-847T>A (NM_207040.2); and 1 more.
Identifiers: ClinVar variation 3367932 (VCV003367932.2).